The following is an entry in ClinVar:

NM_001378418.1(TCF20):c.5362C>T (p.Arg1788Trp)

Gene: TCF20 (transcription factor 20; minus strand). Cytogenetic location: 22q13.2.
Variant type: single nucleotide variant.
Coding change: c.5362C>T on transcript NM_001378418.1 (MANE Select); coding-DNA position 5362, C replaced by T.
Protein change: p.Arg1788Trp; replaces arginine 1788 with tryptophan.
Molecular consequence: missense variant.
Genome position (GRCh38, 1-based): chr22:42,209,944, G>A on the plus strand (C>T on the coding strand, the complement: TCF20 is on the minus strand). VCF-style: chr22-42209944-G-A. GRCh37 (hg19) VCF-style: chr22-42605950-G-A.
Other names: c.5362C>T, p.Arg1788Trp (NM_005650.4, NM_181492.3); short protein forms R1788W.
Identifiers: ClinVar variation 3623024 (VCV003623024.2).

ClinVar aggregate classification (germline): Uncertain significance (1 of 4 stars; one submission).

gnomAD v4.1: 10 of 1,613,866 alleles (0.00062%); highest among the groups gnomAD compares: South Asian, 0.0033%; no homozygotes.

Submission:

Labcorp Genetics (formerly Invitae), Labcorp
Classification: Uncertain significance. Last evaluated: 2024-11-06. Review status: criteria provided, single submitter. Criteria: Invitae Variant Classification Sherloc (09022015). Collection method: clinical testing. Allele origin: germline.
Comment: This sequence change replaces arginine, which is basic and polar, with tryptophan, which is neutral and slightly polar, at codon 1788 of the TCF20 protein (p.Arg1788Trp). This variant is present in population databases (rs757025977, gnomAD 0.006%). This variant has not been reported in the literature in individuals affected with TCF20-related conditions. An algorithm developed to predict the effect of missense changes on protein structure and function (PolyPhen-2) suggests that this variant is likely to be disruptive. In summary, the available evidence is currently insufficient to determine the role of this variant in disease. Therefore, it has been classified as a Variant of Uncertain Significance.